The following is an entry in ClinVar:

ClinVar aggregate classification (germline): Likely benign. Review status: criteria provided, multiple submitters, no conflicts (2 of 4 stars). 3 submissions from 3 submitters: Likely benign (2). 1 of the submissions does not count toward it. Last evaluated 2024-06-03.

Conditions:
Urofacial syndrome type 1. Also called: HPSE2-Related Urofacial Syndrome. Identifiers: Orphanet 2704, MedGen CN033872, MONDO:0009368, OMIM 236730.
HPSE2-related disorder. Also called: HPSE2-related condition.

Allele frequency attached by ClinVar (database versions not stated): ESP Exome Variant Server 0.00023; gnomAD exomes 0.00025 and 0.00039; ExAC 0.00026; TOPMed 0.00029; gnomAD 0.00034.
gnomAD v4.1: 598 of 1,591,426 alleles (0.038%); highest among the groups gnomAD compares: Non-Finnish European, 0.049%; no homozygotes.

Submissions (3):

Labcorp Genetics (formerly Invitae), Labcorp
Classification: Likely benign. Last evaluated: 2024-06-03. Review status: criteria provided, single submitter. Criteria: Invitae Variant Classification Sherloc (09022015). Collection method: clinical testing. Allele origin: germline.

Fulgent Genetics
Classification: Likely benign for Urofacial syndrome type 1. Last evaluated: 2021-08-11. Review status: criteria provided, single submitter. Criteria: ACMG Guidelines, 2015. Collection method: clinical testing. Allele origin: unknown.

PreventionGenetics, part of Exact Sciences
Classification: Likely benign for HPSE2-related condition. Last evaluated: 2019-12-11. Review status: no assertion criteria provided. Collection method: clinical testing. Allele origin: germline. Not counted in ClinVar's aggregate classification.
Comment: This variant is classified as likely benign based on ACMG/AMP sequence variant interpretation guidelines (Richards et al. 2015 PMID: 25741868, with internal and published modifications).

NM_021828.5(HPSE2):c.1099-9T>C

Gene: HPSE2 (heparanase 2 (inactive); minus strand). Cytogenetic location: 10q24.2.
Variant type: single nucleotide variant.
Coding change: c.1099-9T>C on transcript NM_021828.5 (MANE Select); 9 bases into the intron before coding-DNA position 1099, T replaced by C.
Molecular consequence: intron variant.
Genome position (GRCh38, 1-based): chr10:98,620,717, A>G on the plus strand (T>C on the coding strand, the complement: HPSE2 is on the minus strand). VCF-style: chr10-98620717-A-G. GRCh37 (hg19) VCF-style: chr10-100380474-A-G.
Other names: c.763-9T>C (NM_001166245.1); c.925-9T>C (NM_001166244.1); c.1099-9T>C (NM_001166246.1).
Identifiers: ClinVar variation 782770 (VCV000782770.11), dbSNP rs376566722, ClinGen allele CA5639799.